The following is an entry in ClinVar:

ClinVar aggregate classification (germline): Uncertain significance (1 of 4 stars; one submission).

Conditions:
Zellweger spectrum disorders (ZS). Also called: Zellweger Spectrum Disorder (ZSD); Zellweger syndrome; Zellweger Spectrum Disorder; Zellweger Spectrum. Identifiers: Orphanet 912, MedGen C0043459, MONDO:0019609.

Submission:

Labcorp Genetics (formerly Invitae), Labcorp
Classification: Uncertain significance for Zellweger spectrum disorders. Last evaluated: 2023-10-03. Review status: criteria provided, single submitter. Criteria: Invitae Variant Classification Sherloc (09022015). Collection method: clinical testing. Allele origin: germline.
Comment: This sequence change replaces glutamic acid, which is acidic and polar, with glutamine, which is neutral and polar, at codon 625 of the PEX1 protein (p.Glu625Gln). This variant is not present in population databases (gnomAD no frequency). This variant has not been reported in the literature in individuals affected with PEX1-related conditions. ClinVar contains an entry for this variant (Variation ID: 1436305). Advanced modeling of protein sequence and biophysical properties (such as structural, functional, and spatial information, amino acid conservation, physicochemical variation, residue mobility, and thermodynamic stability) performed at Invitae indicates that this missense variant is not expected to disrupt PEX1 protein function. In summary, the available evidence is currently insufficient to determine the role of this variant in disease. Therefore, it has been classified as a Variant of Uncertain Significance.

NM_000466.3(PEX1):c.1873G>C (p.Glu625Gln)

Gene: PEX1 (peroxisomal biogenesis factor 1; minus strand). Cytogenetic location: 7q21.2.
Variant type: single nucleotide variant.
Coding change: c.1873G>C on transcript NM_000466.3 (MANE Select); coding-DNA position 1873, G replaced by C.
Protein change: p.Glu625Gln; replaces glutamic acid 625 with glutamine.
Molecular consequence: missense variant.
Genome position (GRCh38, 1-based): chr7:92,506,275, C>G on the plus strand (G>C on the coding strand, the complement: PEX1 is on the minus strand). VCF-style: chr7-92506275-C-G. GRCh37 (hg19) VCF-style: chr7-92135589-C-G.
Other names: c.1873G>C, p.Glu625Gln (NM_001282677.2); c.1249G>C, p.Glu417Gln (NM_001282678.2); short protein forms E417Q, E625Q.
Identifiers: ClinVar variation 1436305 (VCV001436305.6), dbSNP rs2116176145, ClinGen allele CA368184777.